The following is an entry in ClinVar:

ClinVar aggregate classification (germline): Conflicting classifications of pathogenicity. Review status: criteria provided, conflicting classifications (1 of 4 stars). 4 submissions from 4 submitters: Uncertain significance (1); Likely benign (3). Last evaluated 2026-08-14.

Conditions:
IMPG2-related disorder. Also called: IMPG2-related condition.
Retinitis pigmentosa (RP). Identifiers: Orphanet 791, MedGen C0035334, MeSH D012174, MONDO:0019200, OMIM 268000. Inheritance: Autosomal dominant, autosomal recessive and X linked inheritance.

Allele frequency attached by ClinVar (database versions not stated): ESP Exome Variant Server 0.00008; gnomAD exomes 0.00010 and 0.00007; 1000 Genomes Project 30x 0.00016; 1000 Genomes Project 0.00020; ExAC 0.00004; TOPMed 0.00006; gnomAD 0.00007.
gnomAD v4.1: 154 of 1,613,908 alleles (0.0095%); highest among the groups gnomAD compares: Middle Eastern, 0.016%; no homozygotes.

Submissions (4):

PreventionGenetics, part of Exact Sciences
Classification: Likely benign for IMPG2-related condition. Last evaluated: 2026-08-14. Review status: criteria provided, single submitter. Criteria: ACMG Guidelines, 2015. Collection method: clinical testing. Allele origin: germline.
Comment: This variant is classified as likely benign based on ACMG/AMP sequence variant interpretation guidelines (Richards et al. 2015 PMID: 25741868, with internal and published modifications).

Labcorp Genetics (formerly Invitae), Labcorp
Classification: Likely benign. Last evaluated: 2024-06-14. Review status: criteria provided, single submitter. Criteria: Invitae Variant Classification Sherloc (09022015). Collection method: clinical testing. Allele origin: germline.

Blueprint Genetics
Classification: Likely benign. Last evaluated: 2023-03-22. Review status: criteria provided, single submitter. Criteria: ACMG Guidelines, 2015. Collection method: clinical testing. Allele origin: germline.

Illumina Laboratory Services, Illumina
Classification: Uncertain significance for Retinitis pigmentosa. Last evaluated: 2018-01-13. Review status: criteria provided, single submitter. Criteria: ICSL Variant Classification Criteria 13 December 2019. Collection method: clinical testing. Allele origin: germline.

NM_016247.4(IMPG2):c.2700G>A (p.Val900=)

Gene: IMPG2 (interphotoreceptor matrix proteoglycan 2; minus strand). Cytogenetic location: 3q12.3.
Variant type: single nucleotide variant.
Coding change: c.2700G>A on transcript NM_016247.4 (MANE Select); coding-DNA position 2700, G replaced by A.
Protein change: p.Val900=; no amino-acid change (valine 900 retained).
Molecular consequence: synonymous variant.
Genome position (GRCh38, 1-based): chr3:101,243,631, C>T on the plus strand (G>A on the coding strand, the complement: IMPG2 is on the minus strand). VCF-style: chr3-101243631-C-T. GRCh37 (hg19) VCF-style: chr3-100962475-C-T.
Identifiers: ClinVar variation 902827 (VCV000902827.14), dbSNP rs200353662, ClinGen allele CA2518928.
Genomic context (GRCh38, chr3:101,243,631, plus strand): 5'-GTTTTTATTAAACAGATCTTCTGAAAACATCATGTTAGTCACTCGGAGGCTGAAGAAAAC[C>T]ACCAAAGCTCCTGAAGTCTGGGTATAACTCAAGTCATCTCCTCCTTCTGTGGGCCAAGCC-3'
Protein context (NP_057331.2, residues 890-910): LSYTQTSGAL[Val900=]VFFSLRVTNM